The following is an entry in ClinVar:

ClinVar aggregate classification (germline): Likely pathogenic. Review status: criteria provided, multiple submitters, no conflicts (2 of 4 stars). 2 submissions from 2 submitters: Likely pathogenic (2). Last evaluated 2024-04-06.

Conditions:
Primary ciliary dyskinesia. Also called: Ciliary dyskinesia. Identifiers: Orphanet 244, MedGen C0008780, MONDO:0016575, HP:0012265.
Primary ciliary dyskinesia 3. Identifiers: Orphanet 244, MedGen C1837618, MONDO:0012085, OMIM 608644.

Allele frequency attached by ClinVar (database versions not stated): gnomAD exomes below 0.00001.

Submissions (2):

Fulgent Genetics
Classification: Likely pathogenic for Primary ciliary dyskinesia 3. Last evaluated: 2024-04-06. Review status: criteria provided, single submitter. Criteria: ACMG Guidelines, 2015. Collection method: clinical testing. Allele origin: germline.

Labcorp Genetics (formerly Invitae), Labcorp
Classification: Likely pathogenic for Primary ciliary dyskinesia. Last evaluated: 2023-03-29. Review status: criteria provided, single submitter. Criteria: Invitae Variant Classification Sherloc (09022015). Collection method: clinical testing. Allele origin: germline.
Comment: This variant results in the deletion of part of exon 1 (c.54_57+5del) of the DNAH5 gene. It is expected to disrupt RNA splicing. Variants that disrupt the donor or acceptor splice site typically lead to a loss of protein function (PMID: 16199547), and loss-of-function variants in DNAH5 are known to be pathogenic (PMID: 11788826, 16627867). This variant is not present in population databases (gnomAD no frequency). This variant has not been reported in the literature in individuals affected with DNAH5-related conditions. Algorithms developed to predict the effect of sequence changes on RNA splicing suggest that this variant may disrupt the consensus splice site. In summary, the currently available evidence indicates that the variant is pathogenic, but additional data are needed to prove that conclusively. Therefore, this variant has been classified as Likely Pathogenic.

Literature cited by the submitters: PubMed 16199547 (cited by Labcorp Genetics (formerly Invitae), Labcorp); PubMed 11788826 (cited by Labcorp Genetics (formerly Invitae), Labcorp); PubMed 16627867 (cited by Labcorp Genetics (formerly Invitae), Labcorp).

NM_001369.3(DNAH5):c.54_57+5del

Gene: DNAH5 (dynein axonemal heavy chain 5; minus strand). Cytogenetic location: 5p15.2.
Variant type: Deletion.
Coding change: c.54_57+5del on transcript NM_001369.3 (MANE Select); coding-DNA position 54 through 5 bases into the intron after coding-DNA position 57, 9 bases deleted (AACGGTAAG; older notation c.54_57+5delAACGGTAAG).
Molecular consequence: splice donor variant.
Genome position (GRCh38, 1-based): chr5:13,944,377-13,944,385, CTTACCGTT deleted on the plus strand (AACGGTAAG on the coding strand, the reverse complement: DNAH5 is on the minus strand). VCF-style (leftmost placement, unchanged base first): chr5-13944376-CCTTACCGTT-C. GRCh37 (hg19) VCF-style: chr5-13944485-CCTTACCGTT-C.
Identifiers: ClinVar variation 2850840 (VCV002850840.4), dbSNP rs2547213808, ClinGen allele CA2673282119.